The following is an entry in ClinVar:

ClinVar aggregate classification (germline): Uncertain significance (1 of 4 stars; one submission).

Conditions:
Emery-Dreifuss muscular dystrophy 4, autosomal dominant (EDMD4). Also called: EMERY-DREIFUSS MUSCULAR DYSTROPHY 4 WITH VARIABLE FEATURES. Identifiers: Orphanet 261, MedGen C2751807, MONDO:0013071, OMIM 612998.
Autosomal recessive ataxia, Beauce type. Also called: Spinocerebellar ataxia, autosomal recessive 8; ATAXIA, RECESSIVE, OF BEAUCE; SYNE1-Related Autosomal Recessive Cerebellar Ataxia; SYNE1 Deficiency. Identifiers: Orphanet 88644, MedGen C1853116, MONDO:0012549, OMIM 610743.

Allele frequency attached by ClinVar (database versions not stated): TOPMed below 0.00001; gnomAD 0.00001; gnomAD exomes below 0.00001.

Submission:

Labcorp Genetics (formerly Invitae), Labcorp
Classification: Uncertain significance for Emery-Dreifuss muscular dystrophy 4, autosomal dominant; Autosomal recessive ataxia, Beauce type. Last evaluated: 2019-11-27. Review status: criteria provided, single submitter. Criteria: Invitae Variant Classification Sherloc (09022015). Collection method: clinical testing. Allele origin: germline.
Comment: This sequence change replaces asparagine with serine at codon 4030 of the SYNE1 protein (p.Asn4030Ser). The asparagine residue is highly conserved and there is a small physicochemical difference between asparagine and serine. This variant is not present in population databases (ExAC no frequency). This variant has not been reported in the literature in individuals with SYNE1-related conditions. Algorithms developed to predict the effect of missense changes on protein structure and function are either unavailable or do not agree on the potential impact of this missense change (SIFT: "Deleterious"; PolyPhen-2: "Benign"; Align-GVGD: "Class C15"). Algorithms developed to predict the effect of sequence changes on RNA splicing suggest that this variant may create or strengthen a splice site, but this prediction has not been confirmed by published transcriptional studies. In summary, the available evidence is currently insufficient to determine the role of this variant in disease. Therefore, it has been classified as a Variant of Uncertain Significance.

NM_182961.4(SYNE1):c.12302A>G (p.Asn4101Ser)

Gene: SYNE1 (spectrin repeat containing nuclear envelope protein 1; minus strand). Cytogenetic location: 6q25.2.
Variant type: single nucleotide variant.
Coding change: c.12302A>G on transcript NM_182961.4 (MANE Select); coding-DNA position 12302, A replaced by G.
Protein change: p.Asn4101Ser; replaces asparagine 4101 with serine.
Molecular consequence: missense variant.
Genome position (GRCh38, 1-based): chr6:152,339,290, T>C on the plus strand (A>G on the coding strand, the complement: SYNE1 is on the minus strand). VCF-style: chr6-152339290-T-C. GRCh37 (hg19) VCF-style: chr6-152660425-T-C.
Other names: c.12089A>G, p.Asn4030Ser (NM_033071.5); short protein forms N4030S, N4101S.
Identifiers: ClinVar variation 844983 (VCV000844983.9), dbSNP rs1201675371, ClinGen allele CA366109681.